The following is an entry in ClinVar:

ClinVar aggregate classification (germline): Likely benign. Review status: criteria provided, multiple submitters, no conflicts (2 of 4 stars). 2 submissions from 2 submitters: Likely benign (2). Last evaluated 2025-01-07.

Conditions:
BBS2-related disorder. Also called: BBS2-related condition; BBS2-related disorders. Identifiers: MedGen CN239228.
Bardet-Biedl syndrome (BBS). Identifiers: Orphanet 110, MedGen C0752166, MONDO:0015229.

Submissions (2):

PreventionGenetics, part of Exact Sciences
Classification: Likely benign for BBS2-related condition. Last evaluated: 2025-01-07. Review status: criteria provided, single submitter. Criteria: ACMG Guidelines, 2015. Collection method: clinical testing. Allele origin: germline.
Comment: This variant is classified as likely benign based on ACMG/AMP sequence variant interpretation guidelines (Richards et al. 2015 PMID: 25741868, with internal and published modifications).

Labcorp Genetics (formerly Invitae), Labcorp
Classification: Likely benign for Bardet-Biedl syndrome. Last evaluated: 2017-02-25. Review status: criteria provided, single submitter. Criteria: Invitae Variant Classification Sherloc (09022015). Collection method: clinical testing. Allele origin: germline.

NM_031885.5(BBS2):c.345+10A>G

Gene: BBS2 (Bardet-Biedl syndrome 2; minus strand). Cytogenetic location: 16q13.
Variant type: single nucleotide variant.
Coding change: c.345+10A>G on transcript NM_031885.5 (MANE Select); 10 bases into the intron after coding-DNA position 345, A replaced by G.
Molecular consequence: intron variant.
Genome position (GRCh38, 1-based): chr16:56,514,443, T>C on the plus strand (A>G on the coding strand, the complement: BBS2 is on the minus strand). VCF-style: chr16-56514443-T-C. GRCh37 (hg19) VCF-style: chr16-56548355-T-C.
Other names: c.345+10A>G (NM_001377456.1).
Identifiers: ClinVar variation 462958 (VCV000462958.9), dbSNP rs770249850, ClinGen allele CA658658474.
Genomic context (GRCh38, chr16:56,514,443, plus strand): 5'-TCTCTTCTAAGCATAAAAAATGGACATTAATGAGTAATGACAATTTTATGGTTATAAAGG[T>C]TATACTTGCCTCTCTGTAGAACAAATCCGAATTATTGTAGACATCATAAGCCAAAAGATT-3'